The following is an entry in ClinVar:

NM_000426.4(LAMA2):c.4688G>A (p.Trp1563Ter)

Gene: LAMA2 (laminin subunit alpha 2; plus strand). Cytogenetic location: 6q22.33.
Variant type: single nucleotide variant.
Coding change: c.4688G>A on transcript NM_000426.4 (MANE Select); coding-DNA position 4688, G replaced by A.
Protein change: p.Trp1563Ter; replaces tryptophan 1563 with a stop codon.
Molecular consequence: nonsense.
Genome position (GRCh38, 1-based): chr6:129,353,328, G>A. VCF-style: chr6-129353328-G-A. GRCh37 (hg19) VCF-style: chr6-129674473-G-A.
Other names: c.4688G>A, p.Trp1563Ter (NM_001079823.2); short protein forms W1563*.
Identifiers: ClinVar variation 1456121 (VCV001456121.8), dbSNP rs2114593621, ClinGen allele CA365618807.

ClinVar aggregate classification (germline): Pathogenic. Review status: criteria provided, multiple submitters, no conflicts (2 of 4 stars). 2 submissions from 2 submitters: Pathogenic (2). Last evaluated 2024-03-14.

Conditions:
Merosin deficient congenital muscular dystrophy (MDC1A). Also called: Congenital Muscular Dystrophy Type 1A (MDC1A); Congenital merosin-deficient muscular dystrophy 1A. Identifiers: Orphanet 258, MedGen C1263858, MONDO:0011925, OMIM 607855.
LAMA2-related muscular dystrophy (LAMA2-RD). Also called: Laminin alpha 2-related dystrophy. Identifiers: MedGen C5679788, MONDO:0100228.

Allele frequency attached by ClinVar (database versions not stated): gnomAD 0.00001.
gnomAD v4.1: 1 of 1,614,042 alleles (0.000062%); highest among the groups gnomAD compares: Non-Finnish European, 0.000085%; no homozygotes.

Submissions (2):

Genomic Medicine Center of Excellence, King Faisal Specialist Hospital and Research Centre
Classification: Pathogenic for Merosin deficient congenital muscular dystrophy. Last evaluated: 2024-03-14. Review status: criteria provided, single submitter. Criteria: ACMG Guidelines, 2015. Collection method: research. Allele origin: germline.

Labcorp Genetics (formerly Invitae), Labcorp
Classification: Pathogenic for LAMA2-related muscular dystrophy. Last evaluated: 2020-12-02. Review status: criteria provided, single submitter. Criteria: Invitae Variant Classification Sherloc (09022015). Collection method: clinical testing. Allele origin: germline.
Comment: For these reasons, this variant has been classified as Pathogenic. This variant has not been reported in the literature in individuals with LAMA2-related conditions. This variant is not present in population databases (ExAC no frequency). This sequence change creates a premature translational stop signal (p.Trp1563*) in the LAMA2 gene. It is expected to result in an absent or disrupted protein product. Loss-of-function variants in LAMA2 are known to be pathogenic (PMID: 18700894).

Literature cited by the submitters: PubMed 18700894 (cited by Labcorp Genetics (formerly Invitae), Labcorp).